The following is an entry in ClinVar:

NM_000071.3(CBS):c.451+75G>A

Gene: CBS (cystathionine beta-synthase; minus strand). Cytogenetic location: 21q22.3.
Variant type: single nucleotide variant.
Coding change: c.451+75G>A on transcript NM_000071.3 (MANE Select); 75 bases into the intron after coding-DNA position 451, G replaced by A.
Molecular consequence: intron variant.
Genome position (GRCh38, 1-based): chr21:43,066,168, C>T on the plus strand (G>A on the coding strand, the complement: CBS is on the minus strand). VCF-style: chr21-43066168-C-T. GRCh37 (hg19) VCF-style: chr21-44486278-C-T.
Other names: c.451+75G>A (NM_001320298.2, NM_001178009.3, NM_001178008.3); c.136+75G>A (NM_001321072.1).
Identifiers: ClinVar variation 675395 (VCV000675395.2), dbSNP rs7279359, ClinGen allele CA321097299.
Genomic context (GRCh38, chr21:43,066,168, plus strand): 5'-AAGATGCCAGGGAGCAGGCGGCCAGGCGGGCCAGCACATGCGGCTGCAGCTCAGCCATCC[C>T]CCCCGGGTCCCGGCAGGCTCGGCATGGGTAGGGGACAGCCAGCCCTGGCCACCCCCTCTG-3'

ClinVar aggregate classification (germline): Benign. Review status: criteria provided, multiple submitters, no conflicts (2 of 4 stars). 2 submissions from 2 submitters: Benign (2). Last evaluated 2018-06-19.

Allele frequency attached by ClinVar (database versions not stated): gnomAD exomes 0.01300; gnomAD 0.05688 and 0.05794; 1000 Genomes Project 0.13399; 1000 Genomes Project 30x 0.15225.
gnomAD v4.1: 21,975 of 1,244,862 alleles (1.8%); highest among the groups gnomAD compares: African/African-American, 27%; 3,821 homozygotes.

Submissions (2):

GeneDx
Classification: Benign. Last evaluated: 2018-06-19. Review status: criteria provided, single submitter. Criteria: GeneDx Variant Classification (06012015). Collection method: clinical testing. Allele origin: germline. Affected: yes.
Comment: This variant is considered likely benign or benign based on one or more of the following criteria: it is a conservative change, it occurs at a poorly conserved position in the protein, it is predicted to be benign by multiple in silico algorithms, and/or has population frequency not consistent with disease.

Breakthrough Genomics
Classification: Benign. Review status: criteria provided, single submitter. Criteria: ACMG Guidelines, 2015. Collection method: not provided. Allele origin: germline. Inheritance: Autosomal recessive inheritance. Affected: yes.